The following is an entry in ClinVar:

NM_003072.5(SMARCA4):c.2557T>C (p.Phe853Leu)

Gene: SMARCA4 (SWI/SNF related BAF chromatin remodeling complex subunit ATPase 4; plus strand). Cytogenetic location: 19p13.2.
Variant type: single nucleotide variant.
Coding change: c.2557T>C on transcript NM_003072.5 (MANE Select); coding-DNA position 2557, T replaced by C.
Protein change: p.Phe853Leu; replaces phenylalanine 853 with leucine.
Molecular consequence: missense variant. On other transcripts: non-coding transcript variant (1).
Genome position (GRCh38, 1-based): chr19:11,019,642, T>C. VCF-style: chr19-11019642-T-C. GRCh37 (hg19) VCF-style: chr19-11130318-T-C.
Other names: c.2557T>C, p.Phe853Leu (NM_001128844.3, NM_001128845.2, NM_001128846.2 and 4 more transcripts); short protein forms F853L.
Identifiers: ClinVar variation 821487 (VCV000821487.5), dbSNP rs1600258073, ClinGen allele CA404054515.
Genomic context (GRCh38, chr19:11,019,642, plus strand): 5'-CCCTTGCAGGGATCCCCAGCAGCAAGACGGGCCTTTGTCCCCCAGCTCCGGAGTGGGAAG[T>C]TCAACGTCTTGCTGACGACGTACGAGTACATCATCAAAGACAAGCACATCCTCGCCAAGG-3'
Protein context (NP_003063.2, residues 843-863): AFVPQLRSGK[Phe853Leu]NVLLTTYEYI

ClinVar aggregate classification (germline): Uncertain significance (1 of 4 stars; one submission).

Conditions:
Hereditary cancer-predisposing syndrome. Also called: Neoplastic Syndromes, Hereditary; Tumor predisposition; Hereditary Cancer Syndrome; Hereditary neoplastic syndrome. Identifiers: Orphanet 140162, MedGen C0027672, MeSH D009386, MONDO:0015356.

Allele frequency attached by ClinVar (database versions not stated): gnomAD exomes below 0.00001.
gnomAD v4.1: 1 of 1,613,630 alleles (0.000062%); highest among the groups gnomAD compares: Non-Finnish European, 0.000085%; no homozygotes.

Submission:

Ambry Genetics
Classification: Uncertain significance for Hereditary cancer-predisposing syndrome. Last evaluated: 2024-03-20. Review status: criteria provided, single submitter. Criteria: Ambry Variant Classification Scheme 2023. Collection method: clinical testing. Allele origin: germline.
Comment: The p.F853L variant (also known as c.2557T>C), located in coding exon 17 of the SMARCA4 gene, results from a T to C substitution at nucleotide position 2557. The phenylalanine at codon 853 is replaced by leucine, an amino acid with highly similar properties. This amino acid position is highly conserved in available vertebrate species. In addition, this alteration is predicted to be deleterious by in silico analysis. Since supporting evidence is limited at this time, the clinical significance of this alteration remains unclear.